The following is an entry in ClinVar:

ClinVar aggregate classification (germline): Uncertain significance. Review status: criteria provided, multiple submitters, no conflicts (2 of 4 stars). 2 submissions from 2 submitters: Uncertain significance (2). Last evaluated 2025-08-22.

Conditions:
Inborn genetic diseases. Identifiers: MedGen C0950123, MeSH D030342.
MPI-congenital disorder of glycosylation. Also called: MPI DEFICIENCY; MANNOSEPHOSPHATE ISOMERASE DEFICIENCY; CONGENITAL DISORDER OF GLYCOSYLATION, TYPE Ib; MPI-CDG; PROTEIN-LOSING ENTEROPATHY-HEPATIC FIBROSIS SYNDROME; CDG Ib. Identifiers: Orphanet 79319, MedGen C1865145, MONDO:0011257, OMIM 602579.

Submissions (2):

Ambry Genetics
Classification: Uncertain significance for Inborn genetic diseases. Last evaluated: 2025-08-22. Review status: criteria provided, single submitter. Criteria: Ambry Variant Classification Scheme 2023. Collection method: clinical testing. Allele origin: germline.

Labcorp Genetics (formerly Invitae), Labcorp
Classification: Uncertain significance for MPI-congenital disorder of glycosylation. Last evaluated: 2022-06-29. Review status: criteria provided, single submitter. Criteria: Invitae Variant Classification Sherloc (09022015). Collection method: clinical testing. Allele origin: germline.
Comment: This sequence change replaces aspartic acid, which is acidic and polar, with asparagine, which is neutral and polar, at codon 80 of the MPI protein (p.Asp80Asn). This variant is not present in population databases (gnomAD no frequency). This variant has not been reported in the literature in individuals affected with MPI-related conditions. Algorithms developed to predict the effect of missense changes on protein structure and function output the following: SIFT: "Tolerated"; PolyPhen-2: "Benign"; Align-GVGD: "Class C0". The asparagine amino acid residue is found in multiple mammalian species, which suggests that this missense change does not adversely affect protein function. In summary, the available evidence is currently insufficient to determine the role of this variant in disease. Therefore, it has been classified as a Variant of Uncertain Significance.

NM_002435.3(MPI):c.238G>A (p.Asp80Asn)

Gene: MPI (mannose phosphate isomerase; plus strand). Cytogenetic location: 15q24.1.
Variant type: single nucleotide variant.
Coding change: c.238G>A on transcript NM_002435.3 (MANE Select); coding-DNA position 238, G replaced by A.
Protein change: p.Asp80Asn; replaces aspartic acid 80 with asparagine.
Molecular consequence: missense variant.
Genome position (GRCh38, 1-based): chr15:74,891,472, G>A. VCF-style: chr15-74891472-G-A. GRCh37 (hg19) VCF-style: chr15-75183813-G-A.
Other names: c.238G>A, p.Asp80Asn (NM_001289155.2, NM_001289157.2); c.88G>A, p.Asp30Asn (NM_001289156.2); c.178G>A, p.Asp60Asn (NM_001330372.2); c.238G>A (NM_002435.1); short protein forms D60N, D80N, D30N.
Identifiers: ClinVar variation 1372253 (VCV001372253.4), dbSNP rs1444877183, ClinGen allele CA393171443.